The following is an entry in ClinVar:

ClinVar aggregate classification (germline): Uncertain significance (1 of 4 stars; one submission).

Submission:

Labcorp Genetics (formerly Invitae), Labcorp
Classification: Uncertain significance. Last evaluated: 2022-11-22. Review status: criteria provided, single submitter. Criteria: Invitae Variant Classification Sherloc (09022015). Collection method: clinical testing. Allele origin: germline.
Comment: In summary, the available evidence is currently insufficient to determine the role of this variant in disease. Therefore, it has been classified as a Variant of Uncertain Significance. Advanced modeling of protein sequence and biophysical properties (such as structural, functional, and spatial information, amino acid conservation, physicochemical variation, residue mobility, and thermodynamic stability) has been performed at Invitae for this missense variant, however the output from this modeling did not meet the statistical confidence thresholds required to predict the impact of this variant on TPP1 protein function. ClinVar contains an entry for this variant (Variation ID: 1359958). This variant has not been reported in the literature in individuals affected with TPP1-related conditions. This variant is not present in population databases (gnomAD no frequency). This sequence change replaces tyrosine, which is neutral and polar, with phenylalanine, which is neutral and non-polar, at codon 157 of the TPP1 protein (p.Tyr157Phe).

NM_000391.4(TPP1):c.470A>T (p.Tyr157Phe)

Gene: TPP1 (tripeptidyl peptidase 1; minus strand). Cytogenetic location: 11p15.4.
Variant type: single nucleotide variant.
Coding change: c.470A>T on transcript NM_000391.4 (MANE Select); coding-DNA position 470, A replaced by T.
Protein change: p.Tyr157Phe; replaces tyrosine 157 with phenylalanine.
Molecular consequence: missense variant.
Genome position (GRCh38, 1-based): chr11:6,617,339, T>A on the plus strand (A>T on the coding strand, the complement: TPP1 is on the minus strand). VCF-style: chr11-6617339-T-A. GRCh37 (hg19) VCF-style: chr11-6638570-T-A.
Other names: short protein forms Y157F.
Identifiers: ClinVar variation 1359958 (VCV001359958.8), dbSNP rs2134595634, ClinGen allele CA379475774.
Genomic context (GRCh38, chr11:6,617,339, plus strand): 5'-CCATTCACCCCATAGGTGTTACCAAAGTCCACATGGGGGGCCAAGGCCTGTGGAAGCTGG[T>A]AGGGATGTGGGGACCTTACAACATGGGTTTCCGTAGGTCCTCCCACATAGTGATGAAACT-3'
Protein context (NP_000382.3, residues 147-167): ETHVVRSPHP[Tyr157Phe]QLPQALAPHV